The following is an entry in ClinVar:

NM_001040142.2(SCN2A):c.3451C>A (p.Pro1151Thr)

Gene: SCN2A (sodium voltage-gated channel alpha subunit 2; plus strand). Cytogenetic location: 2q24.3.
Variant type: single nucleotide variant.
Coding change: c.3451C>A on transcript NM_001040142.2 (MANE Select); coding-DNA position 3451, C replaced by A.
Protein change: p.Pro1151Thr; replaces proline 1151 with threonine.
Molecular consequence: missense variant.
Genome position (GRCh38, 1-based): chr2:165,365,194, C>A. VCF-style: chr2-165365194-C-A. GRCh37 (hg19) VCF-style: chr2-166221704-C-A.
Other names: c.3451C>A, p.Pro1151Thr (NM_001040143.2, NM_001371246.1, NM_001371247.1 and 1 more transcripts); short protein forms P1151T.
Identifiers: ClinVar variation 5009864 (VCV005009864.1).
Genomic context (GRCh38, chr2:165,365,194, plus strand): 5'-GATTTTCAGAAGCTAAATGCAACTAGTTCATCTGAAGGCAGCACGGTTGATATTGGAGCT[C>A]CCGCCGAGGGAGAACAGCCTGAGGTTGAACCTGAGGAATCCCTTGAACCTGAAGCCTGTT-3'
Protein context (NP_001035232.1, residues 1141-1161): SEGSTVDIGA[Pro1151Thr]AEGEQPEVEP

ClinVar aggregate classification (germline): Uncertain significance (1 of 4 stars; one submission).

gnomAD v4.1: 1 of 1,613,800 alleles (0.000062%); highest among the groups gnomAD compares: South Asian, 0.0011%; no homozygotes.

Submission:

GeneDx
Classification: Uncertain significance. Last evaluated: 2026-02-20. Review status: criteria provided, single submitter. Criteria: GeneDx Variant Classification Process June 2021. Collection method: clinical testing. Allele origin: germline.
Comment: Not observed at significant frequency in large population cohorts (gnomAD); In silico analysis supports that this missense variant has a deleterious effect on protein structure/function; Has not been previously published as pathogenic or benign to our knowledge; This substitution is predicted to be in the cytoplasmic loop between the second and third homologous domains